The following is an entry in ClinVar:

ClinVar aggregate classification (germline): Uncertain significance (1 of 4 stars; one submission).

Conditions:
Intellectual developmental disorder, X-linked 1. Also called: Atkin Flaitz Patil Smith syndrome; MENTAL RETARDATION, X-LINKED 18; MENTAL RETARDATION, X-LINKED 78; Intellectual disability, X-linked 1. Identifiers: Orphanet 777, MedGen C2931498, MONDO:0010656, OMIM 309530.

Submission:

Labcorp Genetics (formerly Invitae), Labcorp
Classification: Uncertain significance for Intellectual developmental disorder, X-linked 1. Last evaluated: 2025-04-17. Review status: criteria provided, single submitter. Criteria: Invitae Variant Classification Sherloc (09022015). Collection method: clinical testing. Allele origin: germline.
Comment: This sequence change replaces threonine, which is neutral and polar, with proline, which is neutral and non-polar, at codon 227 of the IQSEC2 protein (p.Thr227Pro). This variant is not present in population databases (gnomAD no frequency). This variant has not been reported in the literature in individuals affected with IQSEC2-related conditions. Invitae Evidence Modeling of protein sequence and biophysical properties (such as structural, functional, and spatial information, amino acid conservation, physicochemical variation, residue mobility, and thermodynamic stability) indicates that this missense variant is not expected to disrupt IQSEC2 protein function with a negative predictive value of 95%. In summary, the available evidence is currently insufficient to determine the role of this variant in disease. Therefore, it has been classified as a Variant of Uncertain Significance.

NM_001111125.3(IQSEC2):c.679A>C (p.Thr227Pro)

Gene: IQSEC2 (IQ motif and Sec7 domain ArfGEF 2; minus strand). Cytogenetic location: Xp11.22.
Variant type: single nucleotide variant.
Coding change: c.679A>C on transcript NM_001111125.3 (MANE Select); coding-DNA position 679, A replaced by C.
Protein change: p.Thr227Pro; replaces threonine 227 with proline.
Molecular consequence: missense variant.
Genome position (GRCh38, 1-based): chrX:53,320,445, T>G on the plus strand (A>C on the coding strand, the complement: IQSEC2 is on the minus strand). VCF-style: chrX-53320445-T-G. GRCh37 (hg19) VCF-style: chrX-53349643-T-G.
Other names: c.679A>C, p.Thr227Pro (NM_001441092.1, NM_001410736.1); short protein forms T227P.
Identifiers: ClinVar variation 4801028 (VCV004801028.1).